The following is an entry in ClinVar:

ClinVar aggregate classification (germline): Uncertain significance (1 of 4 stars; one submission).

Conditions:
Gnathodiaphyseal dysplasia (GDD). Also called: GNATHODIAPHYSEAL SCLEROSIS; OSTEOGENESIS IMPERFECTA WITH UNUSUAL SKELETAL LESIONS. Identifiers: Orphanet 53697, MedGen C1833736, MONDO:0008151, OMIM 166260.
Autosomal recessive limb-girdle muscular dystrophy type 2L (LGMDR12). Also called: Limb-girdle muscular dystrophy, type 2L; MUSCULAR DYSTROPHY, LIMB-GIRDLE, AUTOSOMAL RECESSIVE 12; Limb-Girdle Muscular Dystrophy R12 Anoctamin-5-Related (LGMD-R12). Identifiers: Orphanet 206549, MedGen C1969785, MONDO:0012652, OMIM 611307.

gnomAD v4.1: 4 of 1,612,886 alleles (0.00025%); highest among the groups gnomAD compares: Admixed American, 0.0033%; no homozygotes.

Submission:

Labcorp Genetics (formerly Invitae), Labcorp
Classification: Uncertain significance for Autosomal recessive limb-girdle muscular dystrophy type 2L; Gnathodiaphyseal dysplasia. Last evaluated: 2025-11-08. Review status: criteria provided, single submitter. Criteria: Invitae Variant Classification Sherloc (09022015). Collection method: clinical testing. Allele origin: germline.
Comment: This sequence change replaces methionine, which is neutral and non-polar, with threonine, which is neutral and polar, at codon 900 of the ANO5 protein (p.Met900Thr). This variant is present in population databases (no rsID available, gnomAD 0.007%). This variant has not been reported in the literature in individuals affected with ANO5-related conditions. ClinVar contains an entry for this variant (Variation ID: 3761473). An algorithm developed to predict the effect of missense changes on protein structure and function outputs the following: PolyPhen-2: "Benign". The threonine amino acid residue is found in multiple mammalian species, which suggests that this missense change does not adversely affect protein function. In summary, the available evidence is currently insufficient to determine the role of this variant in disease. Therefore, it has been classified as a Variant of Uncertain Significance.

NM_213599.3(ANO5):c.2699T>C (p.Met900Thr)

Gene: ANO5 (anoctamin 5; plus strand). Cytogenetic location: 11p14.3.
Variant type: single nucleotide variant.
Coding change: c.2699T>C on transcript NM_213599.3 (MANE Select); coding-DNA position 2699, T replaced by C.
Protein change: p.Met900Thr; replaces methionine 900 with threonine.
Molecular consequence: missense variant.
Genome position (GRCh38, 1-based): chr11:22,279,722, T>C. VCF-style: chr11-22279722-T-C. GRCh37 (hg19) VCF-style: chr11-22301268-T-C.
Other names: c.2696T>C, p.Met899Thr (NM_001142649.2); c.2657T>C, p.Met886Thr (NM_001410963.1); c.2654T>C, p.Met885Thr (NM_001410964.1); short protein forms M885T, M886T, M899T, M900T.
Identifiers: ClinVar variation 3761473 (VCV003761473.2).
Genomic context (GRCh38, chr11:22,279,722, plus strand): 5'-AGCTCAACAAATTAAAAGAGAACTTGGGAATTAATTCTAATGAATTTGCCAAGCATGTCA[T>C]GATTGAGGAAAACAAAGCACAGCTGGCTAAATCAACACTCTAATCAGTATAGTGAGGAAG-3'
Protein context (NP_998764.1, residues 890-910): INSNEFAKHV[Met900Thr]IEENKAQLAK